The following is an entry in ClinVar:

ClinVar aggregate classification (germline): Conflicting classifications of pathogenicity. Review status: criteria provided, conflicting classifications (1 of 4 stars). 3 submissions from 3 submitters: Uncertain significance (2); Likely benign (1). Last evaluated 2026-04-29.

Conditions:
Hereditary cancer-predisposing syndrome. Also called: Tumor predisposition; Hereditary Cancer Syndrome; Neoplastic Syndromes, Hereditary; Hereditary neoplastic syndrome. Identifiers: Orphanet 140162, MedGen C0027672, MeSH D009386, MONDO:0015356.
Multiple endocrine neoplasia, type 1 (MEN1). Also called: MEA I; MEN I; WERMER SYNDROME; Endocrine adenomatosis multiple; MEN 1. Identifiers: Orphanet 652, MedGen C0025267, MeSH D018761, MONDO:0007540, OMIM 131100.

Allele frequency attached by ClinVar (database versions not stated): gnomAD 0.00001 and 0.00002; gnomAD exomes below 0.00001.
gnomAD v4.1: 5 of 1,614,098 alleles (0.00031%); highest among the groups gnomAD compares: African/African-American, 0.0027%; no homozygotes.

Submissions (3):

Ambry Genetics
Classification: Uncertain significance for Hereditary cancer-predisposing syndrome. Last evaluated: 2026-04-29. Review status: criteria provided, single submitter. Criteria: Ambry Variant Classification Scheme 2023. Collection method: clinical testing. Allele origin: germline.
Comment: The p.R330C variant (also known as c.988C>T), located in coding exon 6 of the MEN1 gene, results from a C to T substitution at nucleotide position 988. The arginine at codon 330 is replaced by cysteine, an amino acid with highly dissimilar properties. This amino acid position is highly conserved in available vertebrate species. In addition, this alteration is predicted to be deleterious by in silico analysis. Based on the available evidence, the clinical significance of this variant remains unclear.

Labcorp Genetics (formerly Invitae), Labcorp
Classification: Likely benign for Multiple endocrine neoplasia, type 1. Last evaluated: 2025-05-05. Review status: criteria provided, single submitter. Criteria: Invitae Variant Classification Sherloc (09022015). Collection method: clinical testing. Allele origin: germline.

All of Us Research Program, National Institutes of Health
Classification: Uncertain significance for Multiple endocrine neoplasia, type 1. Last evaluated: 2024-02-22. Review status: criteria provided, single submitter. Criteria: ACMG Guidelines, 2015. Collection method: clinical testing. Allele origin: germline. Inheritance: Autosomal dominant inheritance. Observed: 1 variant allele, 1 heterozygote.
Comment: This missense variant replaces arginine with cysteine at codon 330 of the MEN1 protein. Computational prediction suggests that this variant may have deleterious impact on protein structure and function (internally defined REVEL score threshold >= 0.7, PMID: 27666373). To our knowledge, functional studies have not been reported for this variant. This variant has not been reported in individuals affected with MEN1-related disorders in the literature. This variant has not been identified in the general population by the Genome Aggregation Database (gnomAD). The available evidence is insufficient to determine the role of this variant in disease conclusively. Therefore, this variant is classified as a Variant of Uncertain Significance.

This study involves interpretation of variants in research participants for the purpose of population health screening. Participant phenotype was not available at the time of variant classification. Additional details can be found in publication PMID: 35346344, PMCID: PMC8962531

NM_001370259.2(MEN1):c.988C>T (p.Arg330Cys)

Gene: MEN1 (menin 1; minus strand). Cytogenetic location: 11q13.1.
Variant type: single nucleotide variant.
Coding change: c.988C>T on transcript NM_001370259.2 (MANE Select); coding-DNA position 988, C replaced by T.
Protein change: p.Arg330Cys; replaces arginine 330 with cysteine.
Molecular consequence: missense variant.
Genome position (GRCh38, 1-based): chr11:64,806,293, G>A on the plus strand (C>T on the coding strand, the complement: MEN1 is on the minus strand). VCF-style: chr11-64806293-G-A. GRCh37 (hg19) VCF-style: chr11-64573765-G-A.
Other names: c.1003C>T, p.Arg335Cys (NM_000244.4, NM_130800.3, NM_130801.3 and 3 more transcripts); c.988C>T, p.Arg330Cys (NM_001370251.2, NM_001370260.2, NM_001370261.2 and 1 more transcripts); c.883C>T, p.Arg295Cys (NM_001370262.2, NM_001370263.2); short protein forms R330C, R335C, R295C.
Identifiers: ClinVar variation 570933 (VCV000570933.19), dbSNP rs1565644005, ClinGen allele CA381183297.